The following is an entry in ClinVar:

NM_020297.4(ABCC9):c.215G>A (p.Arg72Lys)

Gene: ABCC9 (ATP binding cassette subfamily C member 9; minus strand). Cytogenetic location: 12p12.1.
Variant type: single nucleotide variant.
Coding change: c.215G>A on transcript NM_020297.4 (MANE Select); coding-DNA position 215, G replaced by A.
Protein change: p.Arg72Lys; replaces arginine 72 with lysine.
Molecular consequence: missense variant. On other transcripts: 5 prime UTR variant (1).
Genome position (GRCh38, 1-based): chr12:21,933,851, C>T on the plus strand (G>A on the coding strand, the complement: ABCC9 is on the minus strand). VCF-style: chr12-21933851-C-T. GRCh37 (hg19) VCF-style: chr12-22086785-C-T.
Other names: c.215G>A, p.Arg72Lys (NM_001377273.1, NM_005691.4); c.-240G>A (NM_001377274.1); short protein forms R72K.
Identifiers: ClinVar variation 410825 (VCV000410825.12), dbSNP rs369409311, ClinGen allele CA6481926.
Genomic context (GRCh38, chr12:21,933,851, plus strand): 5'-ACAATGCCTTCTGCTATTTCACAGACATGCACAAACAGGAGAGCGAATGTAAGAATCCAT[C>T]TCAGGTTATGTCCCGGAAAATGAAGCCATGTGTTGTGGTGAATTTGTACTTTTGAGCTTT-3'
Protein context (NP_064693.2, residues 62-82): TWLHFPGHNL[Arg72Lys]WILTFALLFV

ClinVar aggregate classification (germline): Uncertain significance. Review status: criteria provided, multiple submitters, no conflicts (2 of 4 stars). 2 submissions from 2 submitters: Uncertain significance (2). Last evaluated 2025-12-20.

Conditions:
Dilated cardiomyopathy 1O (CMD1O). Also called: CARDIOMYOPATHY, DILATED, WITH VENTRICULAR TACHYCARDIA. Identifiers: Orphanet 154, MedGen C1837839, MONDO:0012062, OMIM 608569.
Cardiovascular phenotype. Identifiers: MedGen CN230736.

Allele frequency attached by ClinVar (database versions not stated): gnomAD exomes 0.00002 and 0.00001; TOPMed 0.00003; ExAC 0.00004; gnomAD 0.00005; ESP Exome Variant Server 0.00008.
gnomAD v4.1: 14 of 1,613,574 alleles (0.00087%); highest among the groups gnomAD compares: African/African-American, 0.019%; no homozygotes.

Submissions (2):

Labcorp Genetics (formerly Invitae), Labcorp
Classification: Uncertain significance for Dilated cardiomyopathy 1O. Last evaluated: 2025-12-20. Review status: criteria provided, single submitter. Criteria: Invitae Variant Classification Sherloc (09022015). Collection method: clinical testing. Allele origin: germline.
Comment: This sequence change replaces arginine, which is basic and polar, with lysine, which is basic and polar, at codon 72 of the ABCC9 protein (p.Arg72Lys). This variant is present in population databases (rs369409311, gnomAD 0.03%). This variant has not been reported in the literature in individuals affected with ABCC9-related conditions. ClinVar contains an entry for this variant (Variation ID: 410825). Invitae Evidence Modeling of protein sequence and biophysical properties (such as structural, functional, and spatial information, amino acid conservation, physicochemical variation, residue mobility, and thermodynamic stability) indicates that this missense variant is expected to disrupt ABCC9 protein function with a positive predictive value of 95%. In summary, the available evidence is currently insufficient to determine the role of this variant in disease. Therefore, it has been classified as a Variant of Uncertain Significance.

Ambry Genetics
Classification: Uncertain significance for Cardiovascular phenotype. Last evaluated: 2023-12-21. Review status: criteria provided, single submitter. Criteria: Ambry Variant Classification Scheme 2023. Collection method: clinical testing. Allele origin: germline.
Comment: The p.R72K variant (also known as c.215G>A), located in coding exon 2 of the ABCC9 gene, results from a G to A substitution at nucleotide position 215. The arginine at codon 72 is replaced by lysine, an amino acid with highly similar properties. This amino acid position is highly conserved in available vertebrate species. In addition, this alteration is predicted to be deleterious by in silico analysis. Since supporting evidence is limited at this time, the clinical significance of this alteration remains unclear.